The following is an entry in ClinVar:

NM_001256071.3(RNF213):c.2494C>T (p.Arg832Trp)

Gene: RNF213 (ring finger protein 213; plus strand). Cytogenetic location: 17q25.3.
Variant type: single nucleotide variant.
Coding change: c.2494C>T on transcript NM_001256071.3 (MANE Select); coding-DNA position 2494, C replaced by T.
Protein change: p.Arg832Trp; replaces arginine 832 with tryptophan.
Molecular consequence: missense variant.
Genome position (GRCh38, 1-based): chr17:80,307,194, C>T. VCF-style: chr17-80307194-C-T. GRCh37 (hg19) VCF-style: chr17-78280994-C-T.
Other names: p.Arg832Trp; c.2641C>T, p.Arg881Trp (NM_001410195.1, NM_020914.5); c.2494C>T, p.Arg832Trp (NM_020954.4); short protein forms R832W, R881W.
Identifiers: ClinVar variation 3380527 (VCV003380527.1).

ClinVar aggregate classification (germline): Uncertain significance (1 of 4 stars; one submission).

gnomAD v4.1: 60 of 1,613,380 alleles (0.0037%); highest among the groups gnomAD compares: East Asian, 0.0067%; no homozygotes.

Submission:

Mayo Clinic Laboratories, Mayo Clinic
Classification: Uncertain significance. Last evaluated: 2024-01-15. Review status: criteria provided, single submitter. Criteria: ACMG Guidelines, 2015. Collection method: clinical testing. Allele origin: germline. Observed: 1 variant allele.
Comment: BP4